The following is an entry in ClinVar:

ClinVar aggregate classification (germline): Pathogenic/Likely pathogenic. Review status: criteria provided, multiple submitters, no conflicts (2 of 4 stars). 3 submissions from 3 submitters: Pathogenic (1); Likely pathogenic (2). Last evaluated 2025-04-03.

Conditions:
Polycystic kidney disease, adult type (PKD1). Also called: Polycystic Kidney, Autosomal Dominant; POLYCYSTIC KIDNEY DISEASE, ADULT, TYPE I; Polycystic Kidney Disease 1, Autosomal Dominant; Polycystic kidney disease 1; Polycystic kidney disease 1, severe; POLYCYSTIC KIDNEY DISEASE 1 WITH OR WITHOUT POLYCYSTIC LIVER DISEASE. Identifiers: MedGen C3149841, MONDO:0008263, OMIM 173900.

Submissions (3):

Women's Health and Genetics/Laboratory Corporation of America, LabCorp
Classification: Likely pathogenic for Polycystic kidney disease, adult type. Last evaluated: 2025-04-03. Review status: criteria provided, single submitter. Criteria: LabCorp Variant Classification Summary - May 2015. Collection method: clinical testing. Allele origin: germline.
Comment: Variant summary: PKD1 c.7065+1G>A is located in a canonical splice-site and is predicted to affect mRNA splicing resulting in a significantly altered protein due to either exon skipping, shortening, or inclusion of intronic material. Variants that disrupt the consensus splice site are a relatively common cause of aberrant splicing and loss of PKD1 function. Several computational tools predict a significant impact on normal splicing: Four predict the variant abolishes a 5' splicing donor site. However, these predictions have yet to be confirmed by functional studies. The variant was absent in 144478 control chromosomes. c.7065+1G>A has been reported in the literature in individuals affected with Polycystic Kidney Disease 1 (example: Lindemann_2022). To our knowledge, no experimental evidence demonstrating an impact on protein function has been reported. The following publication has been ascertained in the context of this evaluation (PMID: 36938073). ClinVar contains an entry for this variant (Variation ID: 1333749). Based on the evidence outlined above, the variant was classified as likely pathogenic.

Fulgent Genetics
Classification: Pathogenic for Polycystic kidney disease, adult type. Last evaluated: 2022-04-10. Review status: criteria provided, single submitter. Criteria: ACMG Guidelines, 2015. Collection method: clinical testing. Allele origin: unknown.

CENTOGENE GmbH and LLC - Guiding Precision Medicine
Classification: Likely pathogenic for Polycystic kidney disease, adult type. Last evaluated: 2019-10-17. Review status: criteria provided, single submitter. Criteria: ACMG Guidelines, 2015. Collection method: clinical testing. Allele origin: germline. Affected: yes.

Literature cited by the submitters: PubMed 36938073 (cited by Women's Health and Genetics/Laboratory Corporation of America, LabCorp).

NM_001009944.3(PKD1):c.7065+1G>A

Gene: PKD1 (polycystin 1, transient receptor potential channel interacting; minus strand). Cytogenetic location: 16p13.3.
Variant type: single nucleotide variant.
Coding change: c.7065+1G>A on transcript NM_001009944.3 (MANE Select); the canonical splice donor site of the intron after coding-DNA position 7065, G replaced by A.
Molecular consequence: splice donor variant.
Genome position (GRCh38, 1-based): chr16:2,107,882, C>T on the plus strand (G>A on the coding strand, the complement: PKD1 is on the minus strand). VCF-style: chr16-2107882-C-T. GRCh37 (hg19) VCF-style: chr16-2157883-C-T.
Other names: c.7065+1G>A (NM_000296.4).
Identifiers: ClinVar variation 1333749 (VCV001333749.4), dbSNP rs2151783532, ClinGen allele CA394372311.